The following is an entry in ClinVar:

NM_000321.3(RB1):c.153A>C (p.Glu51Asp)

Gene: RB1 (RB transcriptional corepressor 1; plus strand). Cytogenetic location: 13q14.2.
Variant type: single nucleotide variant.
Coding change: c.153A>C on transcript NM_000321.3 (MANE Select); coding-DNA position 153, A replaced by C.
Protein change: p.Glu51Asp; replaces glutamic acid 51 with aspartic acid.
Molecular consequence: missense variant.
Genome position (GRCh38, 1-based): chr13:48,307,295, A>C. VCF-style: chr13-48307295-A-C. GRCh37 (hg19) VCF-style: chr13-48881431-A-C.
Other names: short protein forms E51D.
Identifiers: ClinVar variation 819435 (VCV000819435.10), dbSNP rs756860689, ClinGen allele CA029080.

ClinVar aggregate classification (germline): Uncertain significance. Review status: criteria provided, multiple submitters, no conflicts (2 of 4 stars). 3 submissions from 3 submitters: Uncertain significance (3). Last evaluated 2025-11-24.

Conditions:
Hereditary cancer-predisposing syndrome. Also called: Tumor predisposition; Hereditary neoplastic syndrome; Neoplastic Syndromes, Hereditary; Hereditary Cancer Syndrome. Identifiers: Orphanet 140162, MedGen C0027672, MeSH D009386, MONDO:0015356.
Retinoblastoma (RB1). Also called: RETINOBLASTOMA, SOMATIC. Identifiers: Orphanet 790, MedGen C0035335, MeSH D012175, MONDO:0008380, OMIM 180200, HP:0009919. Disease mechanism: loss of function. Inheritance: Both sporadic and heritable forms are tested..

Allele frequency attached by ClinVar (database versions not stated): gnomAD exomes below 0.00001; TOPMed below 0.00001; ExAC 0.00001.

Submissions (3):

Labcorp Genetics (formerly Invitae), Labcorp
Classification: Uncertain significance for Retinoblastoma. Last evaluated: 2025-11-24. Review status: criteria provided, single submitter. Criteria: Invitae Variant Classification Sherloc (09022015). Collection method: clinical testing. Allele origin: germline.
Comment: This sequence change replaces glutamic acid, which is acidic and polar, with aspartic acid, which is acidic and polar, at codon 51 of the RB1 protein (p.Glu51Asp). This variant is present in population databases (rs756860689, gnomAD 0.0009%). This variant has not been reported in the literature in individuals affected with RB1-related conditions. ClinVar contains an entry for this variant (Variation ID: 819435). An algorithm developed to predict the effect of missense changes on protein structure and function outputs the following: PolyPhen-2: "Benign". The aspartic acid amino acid residue is found in multiple mammalian species, which suggests that this missense change does not adversely affect protein function. In summary, the available evidence is currently insufficient to determine the role of this variant in disease. Therefore, it has been classified as a Variant of Uncertain Significance.

Ambry Genetics
Classification: Uncertain significance for Hereditary cancer-predisposing syndrome. Last evaluated: 2024-02-22. Review status: criteria provided, single submitter. Criteria: Ambry Variant Classification Scheme 2023. Collection method: clinical testing. Allele origin: germline.
Comment: The p.E51D variant (also known as c.153A>C), located in coding exon 2 of the RB1 gene, results from an A to C substitution at nucleotide position 153. The glutamic acid at codon 51 is replaced by aspartic acid, an amino acid with highly similar properties. This amino acid position is well conserved in available vertebrate species. In addition, this alteration is predicted to be tolerated by in silico analysis. Since supporting evidence is limited at this time, the clinical significance of this alteration remains unclear.

All of Us Research Program, National Institutes of Health
Classification: Uncertain significance for Retinoblastoma. Last evaluated: 2023-10-27. Review status: criteria provided, single submitter. Criteria: ACMG Guidelines, 2015. Collection method: clinical testing. Allele origin: germline. Inheritance: Autosomal dominant inheritance. Observed: 2 variant alleles, 2 heterozygotes.
Comment: This missense variant replaces glutamic acid with aspartic acid at codon 51 of the RB1 protein. Computational prediction suggests that this variant may not impact protein structure and function (internally defined REVEL score threshold <= 0.5, PMID: 27666373). To our knowledge, functional studies have not been reported for this variant. This variant has not been reported in individuals affected with RB1-related disorders in the literature. This variant has been identified in 1/251220 chromosomes in the general population by the Genome Aggregation Database (gnomAD). The available evidence is insufficient to determine the role of this variant in disease conclusively. Therefore, this variant is classified as a Variant of Uncertain Significance.

This study involves interpretation of variants in research participants for the purpose of population health screening. Participant phenotype was not available at the time of variant classification. Additional details can be found in publication PMID: 35346344, PMCID: PMC8962531